The following is an entry in ClinVar:

ClinVar aggregate classification (germline): Uncertain significance (1 of 4 stars; one submission).

Conditions:
Inflammatory skin and bowel disease, neonatal, 1. Identifiers: Orphanet 294023, MedGen C3280501, MONDO:0013693, OMIM 614328.

Allele frequency attached by ClinVar (database versions not stated): ExAC 0.00001; ESP Exome Variant Server 0.00008.
gnomAD v4.1: 12 of 1,613,956 alleles (0.00074%); highest among the groups gnomAD compares: East Asian, 0.0022%; no homozygotes.

Submission:

Labcorp Genetics (formerly Invitae), Labcorp
Classification: Uncertain significance for Inflammatory skin and bowel disease, neonatal, 1. Last evaluated: 2024-07-10. Review status: criteria provided, single submitter. Criteria: Invitae Variant Classification Sherloc (09022015). Collection method: clinical testing. Allele origin: germline.
Comment: This sequence change replaces glycine, which is neutral and non-polar, with alanine, which is neutral and non-polar, at codon 544 of the ADAM17 protein (p.Gly544Ala). This variant is present in population databases (rs375981644, gnomAD 0.005%). This variant has not been reported in the literature in individuals affected with ADAM17-related conditions. ClinVar contains an entry for this variant (Variation ID: 1908783). An algorithm developed to predict the effect of missense changes on protein structure and function (PolyPhen-2) suggests that this variant is likely to be disruptive. In summary, the available evidence is currently insufficient to determine the role of this variant in disease. Therefore, it has been classified as a Variant of Uncertain Significance.

NM_003183.6(ADAM17):c.1631G>C (p.Gly544Ala)

Genes: ADAM17 (ADAM metallopeptidase domain 17; minus strand), IAH1 (isoamyl acetate hydrolyzing esterase 1 (putative); plus strand). Cytogenetic location: 2p25.1.
Variant type: single nucleotide variant.
Coding change: c.1631G>C on transcript NM_003183.6 (MANE Select); coding-DNA position 1631, G replaced by C.
Protein change: p.Gly544Ala; replaces glycine 544 with alanine.
Molecular consequence: missense variant.
Genome position (GRCh38, 1-based): chr2:9,502,190, C>G on the plus strand (G>C on the coding strand, the complement: ADAM17 is on the minus strand). VCF-style: chr2-9502190-C-G. GRCh37 (hg19) VCF-style: chr2-9642319-C-G.
Other names: c.971G>C, p.Gly324Ala (NM_001382777.1); c.734G>C, p.Gly245Ala (NM_001382778.1); short protein forms G245A, G324A, G544A.
Identifiers: ClinVar variation 1908783 (VCV001908783.5), dbSNP rs375981644, ClinGen allele CA1523459.